The following is an entry in ClinVar:

NM_001252024.2(TRPM1):c.1579G>A (p.Gly527Ser)

Gene: TRPM1 (transient receptor potential cation channel subfamily M member 1; minus strand). Cytogenetic location: 15q13.3.
Variant type: single nucleotide variant.
Coding change: c.1579G>A on transcript NM_001252024.2 (MANE Select); coding-DNA position 1579, G replaced by A.
Protein change: p.Gly527Ser; replaces glycine 527 with serine.
Molecular consequence: missense variant.
Genome position (GRCh38, 1-based): chr15:31,047,933, C>T on the plus strand (G>A on the coding strand, the complement: TRPM1 is on the minus strand). VCF-style: chr15-31047933-C-T. GRCh37 (hg19) VCF-style: chr15-31340136-C-T.
Other names: c.1630G>A, p.Gly544Ser (NM_001252020.2); c.1513G>A, p.Gly505Ser (NM_002420.6); short protein forms G505S, G527S, G544S.
Identifiers: ClinVar variation 1037164 (VCV001037164.8), dbSNP rs372438509, ClinGen allele CA7452515.
Genomic context (GRCh38, chr15:31,047,933, plus strand): 5'-AAAACAGTAGACTGACCTTTTTCACATCCCTCACCAGCAGATGAAGTGTGTTTGGTGGAC[C>T]CAGTCTCTGAAAGAGAAGCATTCATGTGTGTTAAATATGTTTTTCTTGGCCAGGCGCGGT-3'
Protein context (NP_001238953.1, residues 517-537): RLEELYNTRL[Gly527Ser]PPNTLHLLVR

ClinVar aggregate classification (germline): Uncertain significance (1 of 4 stars; one submission).

Allele frequency attached by ClinVar (database versions not stated): gnomAD exomes below 0.00001; ExAC 0.00001; gnomAD 0.00001; TOPMed 0.00001; ESP Exome Variant Server 0.00008.
gnomAD v4.1: 4 of 1,613,740 alleles (0.00025%); highest among the groups gnomAD compares: Non-Finnish European, 0.00034%; no homozygotes.

Submission:

Labcorp Genetics (formerly Invitae), Labcorp
Classification: Uncertain significance. Last evaluated: 2022-04-28. Review status: criteria provided, single submitter. Criteria: Invitae Variant Classification Sherloc (09022015). Collection method: clinical testing. Allele origin: germline.
Comment: ClinVar contains an entry for this variant (Variation ID: 1037164). This variant has not been reported in the literature in individuals affected with TRPM1-related conditions. This variant is present in population databases (rs372438509, gnomAD 0.0009%). This sequence change replaces glycine, which is neutral and non-polar, with serine, which is neutral and polar, at codon 505 of the TRPM1 protein (p.Gly505Ser). In summary, the available evidence is currently insufficient to determine the role of this variant in disease. Therefore, it has been classified as a Variant of Uncertain Significance. Algorithms developed to predict the effect of missense changes on protein structure and function are either unavailable or do not agree on the potential impact of this missense change (SIFT: "Deleterious"; PolyPhen-2: "Probably Damaging"; Align-GVGD: "Class C0").